The following is an entry in ClinVar:

NM_001007527.2(LMBRD2):c.1678C>A (p.Gln560Lys)

Gene: LMBRD2 (LMBR1 domain containing 2; minus strand). Cytogenetic location: 5p13.2.
Variant type: single nucleotide variant.
Coding change: c.1678C>A on transcript NM_001007527.2 (MANE Select); coding-DNA position 1678, C replaced by A.
Protein change: p.Gln560Lys; replaces glutamine 560 with lysine.
Molecular consequence: missense variant.
Genome position (GRCh38, 1-based): chr5:36,111,221, G>T on the plus strand (C>A on the coding strand, the complement: LMBRD2 is on the minus strand). VCF-style: chr5-36111221-G-T. GRCh37 (hg19) VCF-style: chr5-36111323-G-T.
Other names: short protein forms Q560K.
Identifiers: ClinVar variation 3730948 (VCV003730948.1).
Genomic context (GRCh38, chr5:36,111,221, plus strand): 5'-TGATTAATTCTTTTCCTTCATTAACTAAGTCTGATGTCATATCATCATCTCCCATAAACT[G>T]CTGGAAACCGAGCAGATTCAAACAACGGGTTCCCAAACTAATAAAAGCAGATTTTTTAAA-3'
Protein context (NP_001007528.1, residues 550-570): TRCLNLLGFQ[Gln560Lys]FMGDDDMTSD

ClinVar aggregate classification (germline): Uncertain significance (1 of 4 stars; one submission).

Submission:

GeneDx
Classification: Uncertain significance. Last evaluated: 2024-08-08. Review status: criteria provided, single submitter. Criteria: GeneDx Variant Classification Process June 2021. Collection method: clinical testing. Allele origin: germline. Affected: yes.
Comment: Not observed at significant frequency in large population cohorts (gnomAD); In silico analysis supports that this missense variant has a deleterious effect on protein structure/function; Has not been previously published as pathogenic or benign to our knowledge